The following is an entry in ClinVar:

NM_001034853.2(RPGR):c.287G>A (p.Arg96Lys)

Gene: RPGR (retinitis pigmentosa GTPase regulator; minus strand). Cytogenetic location: Xp11.4.
Variant type: single nucleotide variant.
Coding change: c.287G>A on transcript NM_001034853.2 (MANE Select); coding-DNA position 287, G replaced by A.
Protein change: p.Arg96Lys; replaces arginine 96 with lysine.
Molecular consequence: missense variant. On other transcripts: non-coding transcript variant (6).
Genome position (GRCh38, 1-based): chrX:38,321,050, C>T on the plus strand (G>A on the coding strand, the complement: RPGR is on the minus strand). VCF-style: chrX-38321050-C-T. GRCh37 (hg19) VCF-style: chrX-38180303-C-T.
Other names: c.287G>A, p.Arg96Lys (NM_000328.3, NM_001367245.1, NM_001367246.1 and 4 more transcripts); c.317G>A, p.Arg106Lys (NM_001367248.1); short protein forms R96K, R106K.
Identifiers: ClinVar variation 1525727 (VCV001525727.8), dbSNP rs2147285696, ClinGen allele CA412745396.
Genomic context (GRCh38, chrX:38,321,050, plus strand): 5'-AAGTCAGGCAGGAAATCATACAGGTTGAGCACTATACCTGTTGACACCAGGGTGTGGTTC[C>T]TTCCACAGGCAGCTAATTTCACTTTTTCAGGTTTTAGAGCTAAAAATATTTAAAATGGGA-3'
Protein context (NP_001030025.1, residues 86-106): PEKVKLAACG[Arg96Lys]NHTLVSTEGG

ClinVar aggregate classification (germline): Uncertain significance (1 of 4 stars; one submission).

Conditions:
Primary ciliary dyskinesia. Also called: Ciliary dyskinesia. Identifiers: Orphanet 244, MedGen C0008780, MONDO:0016575, HP:0012265.

Submission:

Labcorp Genetics (formerly Invitae), Labcorp
Classification: Uncertain significance for Primary ciliary dyskinesia. Last evaluated: 2022-10-04. Review status: criteria provided, single submitter. Criteria: Invitae Variant Classification Sherloc (09022015). Collection method: clinical testing. Allele origin: germline.
Comment: This variant is not present in population databases (gnomAD no frequency). In summary, the available evidence is currently insufficient to determine the role of this variant in disease. Therefore, it has been classified as a Variant of Uncertain Significance. Advanced modeling of protein sequence and biophysical properties (such as structural, functional, and spatial information, amino acid conservation, physicochemical variation, residue mobility, and thermodynamic stability) performed at Invitae indicates that this missense variant is not expected to disrupt RPGR protein function. ClinVar contains an entry for this variant (Variation ID: 1525727). This variant has not been reported in the literature in individuals affected with RPGR-related conditions. This sequence change replaces arginine, which is basic and polar, with lysine, which is basic and polar, at codon 96 of the RPGR protein (p.Arg96Lys).